The following is an entry in ClinVar:

ClinVar aggregate classification (germline): Benign/Likely benign. Review status: criteria provided, multiple submitters, no conflicts (2 of 4 stars). 4 submissions from 4 submitters: Benign (1); Likely benign (2). 1 of the submissions does not count toward it. Last evaluated 2026-01-27.

Conditions:
CAVIN1-related disorder. Also called: CAVIN1-related condition.

Allele frequency attached by ClinVar (database versions not stated): gnomAD below 0.00001 and 0.00008; TOPMed 0.00002; ExAC 0.00053; 1000 Genomes Project 30x 0.00078; 1000 Genomes Project 0.00080.
gnomAD v4.1: 278 of 1,614,100 alleles (0.017%); highest among the groups gnomAD compares: South Asian, 0.27%; 3 homozygotes.

Submissions (4):

Labcorp Genetics (formerly Invitae), Labcorp
Classification: Benign. Last evaluated: 2026-01-27. Review status: criteria provided, single submitter. Criteria: Invitae Variant Classification Sherloc (09022015). Collection method: clinical testing. Allele origin: germline.

Mayo Clinic Laboratories, Mayo Clinic
Classification: Likely benign. Last evaluated: 2025-05-20. Review status: criteria provided, single submitter. Criteria: ACMG Guidelines, 2015. Collection method: clinical testing. Allele origin: germline. Observed: 1 variant allele.
Comment: BS1, BP4, BP7

Blueprint Genetics
Classification: Likely benign. Last evaluated: 2024-10-04. Review status: criteria provided, single submitter. Criteria: ACMG Guidelines, 2015. Collection method: clinical testing. Allele origin: germline.

PreventionGenetics, part of Exact Sciences
Classification: Likely benign for CAVIN1-related condition. Last evaluated: 2022-01-03. Review status: no assertion criteria provided. Collection method: clinical testing. Allele origin: germline. Not counted in ClinVar's aggregate classification.
Comment: This variant is classified as likely benign based on ACMG/AMP sequence variant interpretation guidelines (Richards et al. 2015 PMID: 25741868, with internal and published modifications).

NM_012232.6(CAVIN1):c.717G>A (p.Glu239=)

Gene: CAVIN1 (caveolae associated protein 1; minus strand). Cytogenetic location: 17q21.2.
Variant type: single nucleotide variant.
Coding change: c.717G>A on transcript NM_012232.6 (MANE Select); coding-DNA position 717, G replaced by A.
Protein change: p.Glu239=; no amino-acid change (glutamic acid 239 retained).
Molecular consequence: synonymous variant.
Genome position (GRCh38, 1-based): chr17:42,405,143, C>T on the plus strand (G>A on the coding strand, the complement: CAVIN1 is on the minus strand). VCF-style: chr17-42405143-C-T. GRCh37 (hg19) VCF-style: chr17-40557161-C-T.
Other names: p.Glu239=.
Identifiers: ClinVar variation 729344 (VCV000729344.8), dbSNP rs576949427, ClinGen allele CA8575808.